The following is an entry in ClinVar:

ClinVar aggregate classification (germline): Uncertain significance (1 of 4 stars; one submission).

Conditions:
Charcot-Marie-Tooth disease type 2E (CMT2E). Also called: CHARCOT-MARIE-TOOTH DISEASE, AXONAL, TYPE 2E; CHARCOT-MARIE-TOOTH NEUROPATHY, TYPE 2E. Identifiers: Orphanet 99939, MedGen C1843225, MONDO:0011894, OMIM 607684.

Allele frequency attached by ClinVar (database versions not stated): ExAC 0.00001.

Submission:

Labcorp Genetics (formerly Invitae), Labcorp
Classification: Uncertain significance for Charcot-Marie-Tooth disease type 2E. Last evaluated: 2023-01-11. Review status: criteria provided, single submitter. Criteria: Invitae Variant Classification Sherloc (09022015). Collection method: clinical testing. Allele origin: germline.
Comment: This variant is not present in population databases (gnomAD no frequency). In summary, the available evidence is currently insufficient to determine the role of this variant in disease. Therefore, it has been classified as a Variant of Uncertain Significance. Advanced modeling of protein sequence and biophysical properties (such as structural, functional, and spatial information, amino acid conservation, physicochemical variation, residue mobility, and thermodynamic stability) performed at Invitae indicates that this missense variant is not expected to disrupt NEFL protein function. This variant has not been reported in the literature in individuals affected with NEFL-related conditions. This sequence change replaces serine, which is neutral and polar, with phenylalanine, which is neutral and non-polar, at codon 416 of the NEFL protein (p.Ser416Phe).

NM_006158.5(NEFL):c.1247C>T (p.Ser416Phe)

Gene: NEFL (neurofilament light chain; minus strand). Cytogenetic location: 8p21.2.
Variant type: single nucleotide variant.
Coding change: c.1247C>T on transcript NM_006158.5 (MANE Select); coding-DNA position 1247, C replaced by T.
Protein change: p.Ser416Phe; replaces serine 416 with phenylalanine.
Molecular consequence: missense variant.
Genome position (GRCh38, 1-based): chr8:24,953,718, G>A on the plus strand (C>T on the coding strand, the complement: NEFL is on the minus strand). VCF-style: chr8-24953718-G-A. GRCh37 (hg19) VCF-style: chr8-24811232-G-A.
Other names: short protein forms S416F.
Identifiers: ClinVar variation 2795210 (VCV002795210.3), dbSNP rs771396574, ClinGen allele CA4681307.